The following is an entry in ClinVar:

NM_000143.4(FH):c.422G>A (p.Trp141Ter)

Gene: FH (fumarate hydratase; minus strand). Cytogenetic location: 1q43.
Variant type: single nucleotide variant.
Coding change: c.422G>A on transcript NM_000143.4 (MANE Select); coding-DNA position 422, G replaced by A.
Protein change: p.Trp141Ter; replaces tryptophan 141 with a stop codon.
Molecular consequence: nonsense.
Genome position (GRCh38, 1-based): chr1:241,512,100, C>T on the plus strand (G>A on the coding strand, the complement: FH is on the minus strand). VCF-style: chr1-241512100-C-T. GRCh37 (hg19) VCF-style: chr1-241675400-C-T.
Other names: short protein forms W141*.
Identifiers: ClinVar variation 4746936 (VCV004746936.1), dbSNP rs2147921966.

ClinVar aggregate classification (germline): Pathogenic (1 of 4 stars; one submission).

Submission:

Labcorp Genetics (formerly Invitae), Labcorp
Classification: Pathogenic. Last evaluated: 2026-01-21. Review status: criteria provided, single submitter. Criteria: Invitae Variant Classification Sherloc (09022015). Collection method: clinical testing. Allele origin: germline.
Comment: This sequence change creates a premature translational stop signal (p.Trp141*) in the FH gene. It is expected to result in an absent or disrupted protein product. Loss-of-function variants in FH are known to be pathogenic (PMID: 11865300, 21398687). This variant is not present in population databases (gnomAD no frequency). This premature translational stop signal has been observed in individual(s) with FH-related conditions (PMID: 22713448). For these reasons, this variant has been classified as Pathogenic.

Literature cited by the submitters: PubMed 11865300; PubMed 21398687; PubMed 22713448.